The following is an entry in ClinVar:

NM_001127649.3(PEX26):c.587T>A (p.Leu196His)

Gene: PEX26 (peroxisomal biogenesis factor 26; plus strand). Cytogenetic location: 22q11.21.
Variant type: single nucleotide variant.
Coding change: c.587T>A on transcript NM_001127649.3 (MANE Select); coding-DNA position 587, T replaced by A.
Protein change: p.Leu196His; replaces leucine 196 with histidine.
Molecular consequence: missense variant.
Genome position (GRCh38, 1-based): chr22:18,083,652, T>A. VCF-style: chr22-18083652-T-A. GRCh37 (hg19) VCF-style: chr22-18566418-T-A.
Other names: c.587T>A, p.Leu196His (NM_001199319.2, NM_017929.6); short protein forms L196H.
Identifiers: ClinVar variation 1399212 (VCV001399212.5), dbSNP rs1926714377, ClinGen allele CA410267970.
Genomic context (GRCh38, chr22:18,083,652, plus strand): 5'-AGGCTGAGGAGCTAGTGGTGGGCTCTGCAGCCTTTGGTGAGGAGCGGCGACTGGATGTAC[T>A]TCAGGCCATTCACACAGCGAGGCAGCAGCAGAAACAGGAACACTCAGGCTCTGAGGAGGC-3'
Protein context (NP_001121121.1, residues 186-206): AFGEERRLDV[Leu196His]QAIHTARQQQ

ClinVar aggregate classification (germline): Uncertain significance (1 of 4 stars; one submission).

Conditions:
Peroxisome biogenesis disorder 7A (Zellweger). Also called: Peroxisome biogenesis disorder 7A. Identifiers: Orphanet 912, MedGen C3888385, MONDO:0013938, OMIM 614872.
Peroxisome biogenesis disorder 7B (PBD7B). Identifiers: Orphanet 44, MedGen C3553951, MONDO:0013939, OMIM 614873.

Allele frequency attached by ClinVar (database versions not stated): gnomAD 0.00001.
gnomAD v4.1: 1 of 1,614,008 alleles (0.000062%); highest among the groups gnomAD compares: African/African-American, 0.0013%; no homozygotes.

Submission:

Labcorp Genetics (formerly Invitae), Labcorp
Classification: Uncertain significance for Peroxisome biogenesis disorder 7A (Zellweger); Peroxisome biogenesis disorder 7B. Last evaluated: 2021-09-01. Review status: criteria provided, single submitter. Criteria: Invitae Variant Classification Sherloc (09022015). Collection method: clinical testing. Allele origin: germline.
Comment: This sequence change replaces leucine with histidine at codon 196 of the PEX26 protein (p.Leu196His). The leucine residue is highly conserved and there is a moderate physicochemical difference between leucine and histidine. This variant is not present in population databases (ExAC no frequency). This variant has not been reported in the literature in individuals affected with PEX26-related conditions. Algorithms developed to predict the effect of missense changes on protein structure and function (SIFT, PolyPhen-2, Align-GVGD) all suggest that this variant is likely to be disruptive. In summary, the available evidence is currently insufficient to determine the role of this variant in disease. Therefore, it has been classified as a Variant of Uncertain Significance.